The following is an entry in ClinVar:

ClinVar aggregate classification (germline): Uncertain significance (1 of 4 stars; one submission).

gnomAD v4.1: 1 of 1,614,190 alleles (0.000062%); no homozygotes.

Submission:

GeneDx
Classification: Uncertain significance. Last evaluated: 2026-01-30. Review status: criteria provided, single submitter. Criteria: GeneDx Variant Classification Process June 2021. Collection method: clinical testing. Allele origin: germline.
Comment: Not observed at significant frequency in large population cohorts (gnomAD); In silico analysis supports that this missense variant has a deleterious effect on protein structure/function; Has not been previously published as pathogenic or benign to our knowledge

NM_001352913.2(PPP2R5C):c.1142C>G (p.Pro381Arg)

Gene: PPP2R5C (protein phosphatase 2 regulatory subunit B'gamma; plus strand). Cytogenetic location: 14q32.31.
Variant type: single nucleotide variant.
Coding change: c.1142C>G on transcript NM_001352913.2 (MANE Select); coding-DNA position 1142, C replaced by G.
Protein change: p.Pro381Arg; replaces proline 381 with arginine.
Molecular consequence: missense variant.
Genome position (GRCh38, 1-based): chr14:101,901,843, C>G. VCF-style: chr14-101901843-C-G. GRCh37 (hg19) VCF-style: chr14-102368180-C-G.
Other names: c.1070C>G, p.Pro357Arg (NM_001161725.2); c.1142C>G, p.Pro381Arg (NM_001161726.2); c.977C>G, p.Pro326Arg (NM_001352912.1, NM_002719.4, NM_178586.3 and 1 more transcripts); c.1157C>G, p.Pro386Arg (NM_001352914.2); c.752C>G, p.Pro251Arg (NM_001352915.2, NM_001352916.2); short protein forms P251R, P326R, P357R, P381R, P386R.
Identifiers: ClinVar variation 4891341 (VCV004891341.1).
Genomic context (GRCh38, chr14:101,901,843, plus strand): 5'-ACGAATTAGAAGAGATTTTAGATGTCATTGAACCATCAGAATTTGTGAAGATCATGGAAC[C>G]CCTCTTCCGGCAGTTGGCCAAATGTGTCTCCAGCCCACACTTCCAGGTATGTGGGGCTTG-3'
Protein context (NP_001339842.1, residues 371-391): EPSEFVKIME[Pro381Arg]LFRQLAKCVS